The following is an entry in ClinVar:

NM_018284.3(GBP3):c.1742T>C (p.Leu581Pro)

Gene: GBP3 (guanylate binding protein 3; minus strand). Cytogenetic location: 1p22.2.
Variant type: single nucleotide variant.
Coding change: c.1742T>C on transcript NM_018284.3 (MANE Select); coding-DNA position 1742, T replaced by C.
Protein change: p.Leu581Pro; replaces leucine 581 with proline.
Molecular consequence: missense variant. On other transcripts: non-coding transcript variant (1).
Genome position (GRCh38, 1-based): chr1:89,007,770, A>G on the plus strand (T>C on the coding strand, the complement: GBP3 is on the minus strand). VCF-style: chr1-89007770-A-G. GRCh37 (hg19) VCF-style: chr1-89473453-A-G.
Other names: c.1505T>C, p.Leu502Pro (NM_001319179.2); c.1340T>C, p.Leu447Pro (NM_001319180.2); short protein forms L447P, L502P, L581P.
Identifiers: ClinVar variation 2638916 (VCV002638916.24), dbSNP rs114910977, ClinGen allele CA939049.
Genomic context (GRCh38, chr1:89,007,770, plus strand): 5'-AAAAGCTCTGTTGTTTAGATCTTTAGCTTATGCGACATATATCTCTTGGTTTTTTTTTTC[A>G]GGGTCTTCTGTAGCTTTTGTATCTCATTTTGAAGTTGGGTACTTTCACCTTGGCATCTCT-3'
Protein context (NP_060754.2, residues 571-591): QNEIQKLQKT[Leu581Pro]KKKTKRYMSH

ClinVar aggregate classification (germline): Benign (1 of 4 stars; one submission).

Allele frequency attached by ClinVar (database versions not stated): 1000 Genomes Project 0.00519; 1000 Genomes Project 30x 0.00593; gnomAD 0.00912; TOPMed 0.01008; ESP Exome Variant Server 0.01161.
gnomAD v4.1: 20,373 of 1,608,236 alleles (1.3%); highest among the groups gnomAD compares: Non-Finnish European, 1.5%; 174 homozygotes.

Submission:

CeGaT Center for Human Genetics Tuebingen
Classification: Benign. Last evaluated: 2023-05-01. Review status: criteria provided, single submitter. Criteria: CeGaT Center For Human Genetics Tuebingen Variant Classification Criteria Version 2. Collection method: clinical testing. Allele origin: germline. Affected: yes. Observed: 1 variant allele.
Comment: GBP3: BP4, BS1, BS2